The following is an entry in ClinVar:

ClinVar aggregate classification (germline): Uncertain significance. Review status: criteria provided, multiple submitters, no conflicts (2 of 4 stars). 2 submissions from 2 submitters: Uncertain significance (2). Last evaluated 2025-09-16.

Conditions:
Gastrointestinal stromal tumor. Also called: Gastrointestinal stromal tumor, somatic; Gastrointestinal stroma tumor. Identifiers: Orphanet 44890, MedGen C0238198, MeSH D046152, MONDO:0011719, OMIM 606764, HP:0100723.
Hereditary cancer-predisposing syndrome. Also called: Neoplastic Syndromes, Hereditary; Tumor predisposition; Hereditary Cancer Syndrome; Hereditary neoplastic syndrome. Identifiers: Orphanet 140162, MedGen C0027672, MeSH D009386, MONDO:0015356.

Submissions (2):

Labcorp Genetics (formerly Invitae), Labcorp
Classification: Uncertain significance for Gastrointestinal stromal tumor. Last evaluated: 2025-09-16. Review status: criteria provided, single submitter. Criteria: Invitae Variant Classification Sherloc (09022015). Collection method: clinical testing. Allele origin: germline.
Comment: This sequence change replaces glycine, which is neutral and non-polar, with tryptophan, which is neutral and slightly polar, at codon 466 of the KIT protein (p.Gly466Trp). This variant is not present in population databases (gnomAD no frequency). This variant has not been reported in the literature in individuals affected with KIT-related conditions. ClinVar contains an entry for this variant (Variation ID: 1771653). An algorithm developed to predict the effect of missense changes on protein structure and function (PolyPhen-2) suggests that this variant is likely to be disruptive. In summary, the available evidence is currently insufficient to determine the role of this variant in disease. Therefore, it has been classified as a Variant of Uncertain Significance.

Ambry Genetics
Classification: Uncertain significance for Hereditary cancer-predisposing syndrome. Last evaluated: 2021-01-21. Review status: criteria provided, single submitter. Criteria: Ambry Variant Classification Scheme 2023. Collection method: clinical testing. Allele origin: germline.
Comment: The p.G466W variant (also known as c.1396G>T), located in coding exon 9 of the KIT gene, results from a G to T substitution at nucleotide position 1396. The glycine at codon 466 is replaced by tryptophan, an amino acid with highly dissimilar properties. This amino acid position is poorly conserved in available vertebrate species. In addition, this alteration is predicted to be tolerated by in silico analysis. Since supporting evidence is limited at this time, the clinical significance of this alteration remains unclear.

NM_000222.3(KIT):c.1396G>T (p.Gly466Trp)

Gene: KIT (KIT proto-oncogene, receptor tyrosine kinase; plus strand). Cytogenetic location: 4q12.
Variant type: single nucleotide variant.
Coding change: c.1396G>T on transcript NM_000222.3 (MANE Select); coding-DNA position 1396, G replaced by T.
Protein change: p.Gly466Trp; replaces glycine 466 with tryptophan.
Molecular consequence: missense variant.
Genome position (GRCh38, 1-based): chr4:54,725,906, G>T. VCF-style: chr4-54725906-G-T. GRCh37 (hg19) VCF-style: chr4-55592072-G-T.
Other names: c.1396G>T, p.Gly466Trp (NM_001093772.2, NM_001385285.1, NM_001385286.1); c.1399G>T, p.Gly467Trp (NM_001385284.1, NM_001385288.1, NM_001385290.1 and 1 more transcripts); short protein forms G467W, G466W.
Identifiers: ClinVar variation 1771653 (VCV001771653.4), dbSNP rs1282859149, ClinGen allele CA356906309.